The following is an entry in ClinVar:

ClinVar aggregate classification (germline): Uncertain significance (1 of 4 stars; one submission).

Conditions:
Bardet-Biedl syndrome (BBS). Identifiers: Orphanet 110, MedGen C0752166, MONDO:0015229.

gnomAD v4.1: 1 of 1,613,486 alleles (0.000062%); highest among the groups gnomAD compares: Admixed American, 0.0017%; no homozygotes.

Submission:

Labcorp Genetics (formerly Invitae), Labcorp
Classification: Uncertain significance for Bardet-Biedl syndrome. Last evaluated: 2022-08-16. Review status: criteria provided, single submitter. Criteria: Invitae Variant Classification Sherloc (09022015). Collection method: clinical testing. Allele origin: germline.
Comment: Algorithms developed to predict the effect of sequence changes on RNA splicing suggest that this variant may create or strengthen a splice site. In summary, the available evidence is currently insufficient to determine the role of this variant in disease. Therefore, it has been classified as a Variant of Uncertain Significance. Algorithms developed to predict the effect of missense changes on protein structure and function are either unavailable or do not agree on the potential impact of this missense change (SIFT: "Deleterious"; PolyPhen-2: "Possibly Damaging"; Align-GVGD: "Class C15"). ClinVar contains an entry for this variant (Variation ID: 1422804). This variant has not been reported in the literature in individuals affected with BBS7-related conditions. This variant is not present in population databases (gnomAD no frequency). This sequence change replaces arginine, which is basic and polar, with serine, which is neutral and polar, at codon 459 of the BBS7 protein (p.Arg459Ser).

NM_176824.3(BBS7):c.1375C>A (p.Arg459Ser)

Gene: BBS7 (Bardet-Biedl syndrome 7; minus strand). Cytogenetic location: 4q27.
Variant type: single nucleotide variant.
Coding change: c.1375C>A on transcript NM_176824.3 (MANE Select); coding-DNA position 1375, C replaced by A.
Protein change: p.Arg459Ser; replaces arginine 459 with serine.
Molecular consequence: missense variant.
Genome position (GRCh38, 1-based): chr4:121,835,280, G>T on the plus strand (C>A on the coding strand, the complement: BBS7 is on the minus strand). VCF-style: chr4-121835280-G-T. GRCh37 (hg19) VCF-style: chr4-122756435-G-T.
Other names: c.1375C>A, p.Arg459Ser (NM_018190.4); short protein forms R459S.
Identifiers: ClinVar variation 1422804 (VCV001422804.6), dbSNP rs150743868, ClinGen allele CA358059111.